The following is an entry in ClinVar:

ClinVar aggregate classification (germline): Uncertain significance (1 of 4 stars; one submission).

Submission:

Labcorp Genetics (formerly Invitae), Labcorp
Classification: Uncertain significance. Last evaluated: 2024-06-13. Review status: criteria provided, single submitter. Criteria: Invitae Variant Classification Sherloc (09022015). Collection method: clinical testing. Allele origin: germline.
Comment: This sequence change replaces leucine, which is neutral and non-polar, with phenylalanine, which is neutral and non-polar, at codon 1262 of the GRIN2D protein (p.Leu1262Phe). This variant is not present in population databases (gnomAD no frequency). This variant has not been reported in the literature in individuals affected with GRIN2D-related conditions. Advanced modeling of protein sequence and biophysical properties (such as structural, functional, and spatial information, amino acid conservation, physicochemical variation, residue mobility, and thermodynamic stability) performed at Invitae indicates that this missense variant is not expected to disrupt GRIN2D protein function with a negative predictive value of 95%. In summary, the available evidence is currently insufficient to determine the role of this variant in disease. Therefore, it has been classified as a Variant of Uncertain Significance.

NM_000836.4(GRIN2D):c.3784C>T (p.Leu1262Phe)

Gene: GRIN2D (glutamate ionotropic receptor NMDA type subunit 2D; plus strand). Cytogenetic location: 19q13.33.
Variant type: single nucleotide variant.
Coding change: c.3784C>T on transcript NM_000836.4 (MANE Select); coding-DNA position 3784, C replaced by T.
Protein change: p.Leu1262Phe; replaces leucine 1262 with phenylalanine.
Molecular consequence: missense variant.
Genome position (GRCh38, 1-based): chr19:48,443,710, C>T. VCF-style: chr19-48443710-C-T. GRCh37 (hg19) VCF-style: chr19-48946967-C-T.
Other names: short protein forms L1262F.
Identifiers: ClinVar variation 3636288 (VCV003636288.2).